The following is an entry in ClinVar:

NM_002440.4(MSH4):c.125G>A (p.Arg42His)

Gene: MSH4 (mutS homolog 4; plus strand). Cytogenetic location: 1p31.1.
Variant type: single nucleotide variant.
Coding change: c.125G>A on transcript NM_002440.4 (MANE Select); coding-DNA position 125, G replaced by A.
Protein change: p.Arg42His; replaces arginine 42 with histidine.
Molecular consequence: missense variant.
Genome position (GRCh38, 1-based): chr1:75,797,110, G>A. VCF-style: chr1-75797110-G-A. GRCh37 (hg19) VCF-style: chr1-76262795-G-A.
Other names: short protein forms R42H.
Identifiers: ClinVar variation 4534825 (VCV004534825.6).
Genomic context (GRCh38, chr1:75,797,110, plus strand): 5'-AAACCCGCTCACCTCAGGGTCCCCGCTACAATTTCGGACTCCAGGAGACTCCACAGAGCC[G>A]CCCTTCGGTCCAGGTGGTCTCTGCATCCACCTGTCCTGGCACGTCAGGAGCTGCGGGCGA-3'
Protein context (NP_002431.2, residues 32-52): NFGLQETPQS[Arg42His]PSVQVVSAST

ClinVar aggregate classification (germline): Uncertain significance (1 of 4 stars; one submission).

gnomAD v4.1: 15 of 1,613,872 alleles (0.00093%); highest among the groups gnomAD compares: East Asian, 0.02%; no homozygotes.

Submission:

CeGaT Center for Human Genetics Tuebingen
Classification: Uncertain significance. Last evaluated: 2025-10-01. Review status: criteria provided, single submitter. Criteria: CeGaT Center For Human Genetics Tuebingen Variant Classification Criteria Version 2. Collection method: clinical testing. Allele origin: germline. Affected: yes. Observed: 1 variant allele.
Comment: MSH4: PM2, BP4